The following is an entry in ClinVar:

NM_000291.4(PGK1):c.1108A>T (p.Ile370Phe)

Gene: PGK1 (phosphoglycerate kinase 1; plus strand). Cytogenetic location: Xq21.1.
Variant type: single nucleotide variant.
Coding change: c.1108A>T on transcript NM_000291.4 (MANE Select); coding-DNA position 1108, A replaced by T.
Protein change: p.Ile370Phe; replaces isoleucine 370 with phenylalanine.
Molecular consequence: missense variant.
Genome position (GRCh38, 1-based): chrX:78,125,045, A>T. VCF-style: chrX-78125045-A-T. GRCh37 (hg19) VCF-style: chrX-77380542-A-T.
Other names: short protein forms I370F.
Identifiers: ClinVar variation 1996284 (VCV001996284.4), dbSNP rs2522506007, ClinGen allele CA413718124.
Genomic context (GRCh38, chrX:78,125,045, plus strand): 5'-CGGGGAACCAAAGCTCTCATGGATGAGGTGGTGAAAGCCACTTCTAGGGGCTGCATCACC[A>T]TCATAGGTAAGCGGTCCTATACAAAGCTAATACCCATATAAGCTGGCAGAATTCTGATCA-3'
Protein context (NP_000282.1, residues 360-380): VKATSRGCIT[Ile370Phe]IGGGDTATCC

ClinVar aggregate classification (germline): Uncertain significance (1 of 4 stars; one submission).

Submission:

Labcorp Genetics (formerly Invitae), Labcorp
Classification: Uncertain significance. Last evaluated: 2022-05-19. Review status: criteria provided, single submitter. Criteria: Invitae Variant Classification Sherloc (09022015). Collection method: clinical testing. Allele origin: germline.
Comment: This variant is not present in population databases (gnomAD no frequency). In summary, the available evidence is currently insufficient to determine the role of this variant in disease. Therefore, it has been classified as a Variant of Uncertain Significance. Algorithms developed to predict the effect of missense changes on protein structure and function are either unavailable or do not agree on the potential impact of this missense change (SIFT: "Deleterious"; PolyPhen-2: "Probably Damaging"; Align-GVGD: "Class C15"). This variant has not been reported in the literature in individuals affected with PGK1-related conditions. This sequence change replaces isoleucine, which is neutral and non-polar, with phenylalanine, which is neutral and non-polar, at codon 370 of the PGK1 protein (p.Ile370Phe).